The following is an entry in ClinVar:

ClinVar aggregate classification (germline): Likely pathogenic (1 of 4 stars; one submission).

Conditions:
Charcot-Marie-Tooth disease axonal type 2V. Also called: CHARCOT-MARIE-TOOTH NEUROPATHY, TYPE 2V; CHARCOT-MARIE-TOOTH DISEASE, AXONAL, AUTOSOMAL DOMINANT, TYPE 2V. Identifiers: Orphanet 447964, MedGen C5569050, MONDO:0014665, OMIM 616491.
Mucopolysaccharidosis, MPS-III-B (MPS3B). Also called: N-ACETYL-ALPHA-D-GLUCOSAMINIDASE DEFICIENCY; NAGLU DEFICIENCY; SANFILIPPO SYNDROME B; MPS III B; Mucopolysaccharidosis type IIIB (Sanfilippo B); MUCOPOLYSACCHARIDOSIS, TYPE IIIB. Identifiers: Orphanet 79270, MedGen C0086648, MONDO:0009656, OMIM 252920.

Submission:

Labcorp Genetics (formerly Invitae), Labcorp
Classification: Likely pathogenic for Charcot-Marie-Tooth disease axonal type 2V; Mucopolysaccharidosis, MPS-III-B. Last evaluated: 2022-12-05. Review status: criteria provided, single submitter. Criteria: Invitae Variant Classification Sherloc (09022015). Collection method: clinical testing. Allele origin: germline.
Comment: In summary, the currently available evidence indicates that the variant is pathogenic, but additional data are needed to prove that conclusively. Therefore, this variant has been classified as Likely Pathogenic. This variant disrupts the p.Ser612 amino acid residue in NAGLU. Other variant(s) that disrupt this residue have been determined to be pathogenic (PMID: 9443875, 20852935, 25256447, 26907177, 217121855). This suggests that this residue is clinically significant, and that variants that disrupt this residue are likely to be disease-causing. Advanced modeling of protein sequence and biophysical properties (such as structural, functional, and spatial information, amino acid conservation, physicochemical variation, residue mobility, and thermodynamic stability) performed at Invitae indicates that this missense variant is expected to disrupt NAGLU protein function. This variant has not been reported in the literature in individuals affected with NAGLU-related conditions. This variant is not present in population databases (gnomAD no frequency). This sequence change replaces serine, which is neutral and polar, with asparagine, which is neutral and polar, at codon 612 of the NAGLU protein (p.Ser612Asn).

Literature cited by the submitters: PubMed 9443875; PubMed 20852935; PubMed 25256447; PubMed 26907177; PubMed 217121855.

NM_000263.4(NAGLU):c.1835G>A (p.Ser612Asn)

Gene: NAGLU (N-acetyl-alpha-glucosaminidase; plus strand). Cytogenetic location: 17q21.2.
Variant type: single nucleotide variant.
Coding change: c.1835G>A on transcript NM_000263.4 (MANE Select); coding-DNA position 1835, G replaced by A.
Protein change: p.Ser612Asn; replaces serine 612 with asparagine.
Molecular consequence: missense variant.
Genome position (GRCh38, 1-based): chr17:42,543,841, G>A. VCF-style: chr17-42543841-G-A. GRCh37 (hg19) VCF-style: chr17-40695859-G-A.
Other names: short protein forms S612N.
Identifiers: ClinVar variation 3751193 (VCV003751193.1).